The following is an entry in ClinVar:

ClinVar aggregate classification (germline): Benign. Review status: criteria provided, multiple submitters, no conflicts (2 of 4 stars). 9 submissions from 8 submitters: Benign (6). 3 of the submissions do not count toward it. Last evaluated 2026-02-02.

Conditions:
Frontotemporal dementia and/or amyotrophic lateral sclerosis 6 (FTDALS6). Also called: VCP-Related Amyotrophic Lateral Sclerosis; VCP-Related Amyotrophic Lateral Sclerosis/Frontotemporal Dementia. Identifiers: Orphanet 275872, Orphanet 803, MedGen C5436279, MONDO:0013501, OMIM 613954.
Inclusion body myopathy with Paget disease of bone and frontotemporal dementia type 1. Also called: MULTISYSTEM PROTEINOPATHY 1; Inclusion body myopathy with early-onset Paget disease with or without frontotemporal dementia 1; Inclusion body myopathy with early-onset Paget disease and frontotemporal dementia 1. Identifiers: MedGen C4551951, MONDO:0008178, OMIM 167320.
Inclusion body myopathy with Paget disease of bone and frontotemporal dementia. Also called: Inclusion body myopathy with early-onset Paget disease and frontotemporal dementia. Identifiers: Orphanet 52430, MedGen C1833662, MONDO:0000507.

Allele frequency attached by ClinVar (database versions not stated): gnomAD exomes 0.00121 and 0.00307; ExAC 0.00406; gnomAD 0.01261 and 0.01353; ESP Exome Variant Server 0.01315; 1000 Genomes Project 30x 0.01374; TOPMed 0.01415; 1000 Genomes Project 0.01418.
gnomAD v4.1: 3,779 of 1,613,740 alleles (0.23%); highest among the groups gnomAD compares: African/African-American, 4.5%; 95 homozygotes.

Submissions (9):

Labcorp Genetics (formerly Invitae), Labcorp
Classification: Benign for Inclusion body myopathy with Paget disease of bone and frontotemporal dementia; Frontotemporal dementia and/or amyotrophic lateral sclerosis 6. Last evaluated: 2026-02-02. Review status: criteria provided, single submitter. Criteria: Invitae Variant Classification Sherloc (09022015). Collection method: clinical testing. Allele origin: germline.

Mayo Clinic Laboratories, Mayo Clinic
Classification: Benign. Last evaluated: 2022-10-20. Review status: criteria provided, single submitter. Criteria: ACMG Guidelines, 2015. Collection method: clinical testing. Allele origin: germline. Observed: 16 variant alleles.

GeneDx
Classification: Benign. Last evaluated: 2019-08-21. Review status: criteria provided, single submitter. Criteria: GeneDx Variant Classification Process June 2021. Collection method: clinical testing. Allele origin: germline. Affected: yes.

Athena Diagnostics
Classification: Benign. Last evaluated: 2019-02-26. Review status: criteria provided, single submitter. Criteria: Athena Diagnostics Criteria. Collection method: clinical testing. Allele origin: germline.

Illumina Laboratory Services, Illumina
Classification: Benign for Frontotemporal dementia and/or amyotrophic lateral sclerosis 6. Last evaluated: 2018-01-12. Review status: criteria provided, single submitter. Criteria: ICSL Variant Classification Criteria 13 December 2019. Collection method: clinical testing. Allele origin: germline.
Comment: This variant was observed in the ICSL laboratory as part of a predisposition screen in an ostensibly healthy population. It had not been previously curated by ICSL or reported in the Human Gene Mutation Database (HGMD: prior to June 1st, 2018), and was therefore a candidate for classification through an automated scoring system. Utilizing variant allele frequency, disease prevalence and penetrance estimates, and inheritance mode, an automated score was calculated to assess if this variant is too frequent to cause the disease. Based on the score and internal cut-off values, a variant classified as benign is not then subjected to further curation. The score for this variant resulted in a classification of benign for this disease.

Illumina Laboratory Services, Illumina
Classification: Benign for Inclusion body myopathy with Paget disease of bone and frontotemporal dementia type 1. Last evaluated: 2018-01-12. Review status: criteria provided, single submitter. Criteria: ICSL Variant Classification Criteria 13 December 2019. Collection method: clinical testing. Allele origin: germline.
Comment: the same text as in the submission from Illumina Laboratory Services, Illumina above.

Clinical Genetics, Academic Medical Center
Classification: Benign. Review status: no assertion criteria provided. Collection method: clinical testing. Allele origin: germline. Affected: yes. Study: VKGL Data-share Consensus. Not counted in ClinVar's aggregate classification.

Genome Diagnostics Laboratory, Amsterdam University Medical Center
Classification: Likely benign. Review status: no assertion criteria provided. Collection method: clinical testing. Allele origin: germline. Affected: yes. Study: VKGL Data-share Consensus. Not counted in ClinVar's aggregate classification.

Genome Diagnostics Laboratory, University Medical Center Utrecht
Classification: Benign. Review status: no assertion criteria provided. Collection method: clinical testing. Allele origin: germline. Affected: yes. Study: VKGL Data-share Consensus. Not counted in ClinVar's aggregate classification.

NM_007126.5(VCP):c.18-5T>C

Gene: VCP (valosin containing protein; minus strand). Cytogenetic location: 9p13.3.
Variant type: single nucleotide variant.
Coding change: c.18-5T>C on transcript NM_007126.5 (MANE Select); 5 bases into the intron before coding-DNA position 18, T replaced by C.
Molecular consequence: intron variant.
Genome position (GRCh38, 1-based): chr9:35,068,367, A>G on the plus strand (T>C on the coding strand, the complement: VCP is on the minus strand). VCF-style: chr9-35068367-A-G. GRCh37 (hg19) VCF-style: chr9-35068364-A-G.
Other names: p.?; c.-118-5T>C (NM_001354927.2, NM_001354928.2).
Identifiers: ClinVar variation 366721 (VCV000366721.22), dbSNP rs114256093, ClinGen allele CA5039564.